The following is an entry in ClinVar:

NM_021930.6(RINT1):c.1825C>T (p.Arg609Cys)

Gene: RINT1 (RAD50 interactor 1; plus strand). Cytogenetic location: 7q22.3.
Variant type: single nucleotide variant.
Coding change: c.1825C>T on transcript NM_021930.6 (MANE Select); coding-DNA position 1825, C replaced by T.
Protein change: p.Arg609Cys; replaces arginine 609 with cysteine.
Molecular consequence: missense variant. On other transcripts: non-coding transcript variant (1).
Genome position (GRCh38, 1-based): chr7:105,563,886, C>T. VCF-style: chr7-105563886-C-T. GRCh37 (hg19) VCF-style: chr7-105204333-C-T.
Other names: c.1825C>T (NM_021930.4); c.1591C>T, p.Arg531Cys (NM_001346599.2); c.802C>T, p.Arg268Cys (NM_001346600.2, NM_001346603.2); c.901C>T, p.Arg301Cys (NM_001346601.2); short protein forms R268C, R301C, R531C, R609C.
Identifiers: ClinVar variation 1055746 (VCV001055746.10), dbSNP rs748446895, ClinGen allele CA4426775.

ClinVar aggregate classification (germline): Uncertain significance. Review status: criteria provided, multiple submitters, no conflicts (2 of 4 stars). 2 submissions from 2 submitters: Uncertain significance (2). Last evaluated 2025-09-09.

Allele frequency attached by ClinVar (database versions not stated): gnomAD exomes below 0.00001; TOPMed below 0.00001; ExAC 0.00001.
gnomAD v4.1: 2 of 1,613,852 alleles (0.00012%); highest among the groups gnomAD compares: Non-Finnish European, 0.00017%; no homozygotes.

Submissions (2):

Ambry Genetics
Classification: Uncertain significance. Last evaluated: 2025-09-09. Review status: criteria provided, single submitter. Criteria: Ambry Variant Classification Scheme 2023. Collection method: clinical testing. Allele origin: germline.

Labcorp Genetics (formerly Invitae), Labcorp
Classification: Uncertain significance. Last evaluated: 2017-11-27. Review status: criteria provided, single submitter. Criteria: Invitae Variant Classification Sherloc (09022015). Collection method: clinical testing. Allele origin: germline.
Comment: In summary, the available evidence is currently insufficient to determine the role of this variant in disease. Therefore, it has been classified as a Variant of Uncertain Significance. Algorithms developed to predict the effect of missense changes on protein structure and function do not agree on the potential impact of this missense change (SIFT: "Deleterious"; PolyPhen-2: "Probably Damaging"; Align-GVGD: "Class C0"). This variant has not been reported in the literature in individuals with RINT1-related disease. This variant is present in population databases (rs748446895, ExAC 0.006%). This sequence change replaces arginine with cysteine at codon 609 of the RINT1 protein (p.Arg609Cys). The arginine residue is highly conserved and there is a large physicochemical difference between arginine and cysteine.